The following is an entry in ClinVar:

NM_000435.3(NOTCH3):c.6227G>T (p.Gly2076Val)

Gene: NOTCH3 (notch receptor 3; minus strand). Cytogenetic location: 19p13.12.
Variant type: single nucleotide variant.
Coding change: c.6227G>T on transcript NM_000435.3 (MANE Select); coding-DNA position 6227, G replaced by T.
Protein change: p.Gly2076Val; replaces glycine 2076 with valine.
Molecular consequence: missense variant.
Genome position (GRCh38, 1-based): chr19:15,161,401, C>A on the plus strand (G>T on the coding strand, the complement: NOTCH3 is on the minus strand). VCF-style: chr19-15161401-C-A. GRCh37 (hg19) VCF-style: chr19-15272212-C-A.
Other names: short protein forms G2076V.
Identifiers: ClinVar variation 2912609 (VCV002912609.3), dbSNP rs761138834, ClinGen allele CA9262398.

ClinVar aggregate classification (germline): Uncertain significance (1 of 4 stars; one submission).

Allele frequency attached by ClinVar (database versions not stated): gnomAD exomes below 0.00001.
gnomAD v4.1: 6 of 1,523,098 alleles (0.00039%); highest among the groups gnomAD compares: Middle Eastern, 0.019%; no homozygotes.

Submission:

Labcorp Genetics (formerly Invitae), Labcorp
Classification: Uncertain significance. Last evaluated: 2022-12-16. Review status: criteria provided, single submitter. Criteria: Invitae Variant Classification Sherloc (09022015). Collection method: clinical testing. Allele origin: germline.
Comment: In summary, the available evidence is currently insufficient to determine the role of this variant in disease. Therefore, it has been classified as a Variant of Uncertain Significance. Advanced modeling of protein sequence and biophysical properties (such as structural, functional, and spatial information, amino acid conservation, physicochemical variation, residue mobility, and thermodynamic stability) performed at Invitae indicates that this missense variant is not expected to disrupt NOTCH3 protein function. This variant has not been reported in the literature in individuals affected with NOTCH3-related conditions. This variant is not present in population databases (gnomAD no frequency). This sequence change replaces glycine, which is neutral and non-polar, with valine, which is neutral and non-polar, at codon 2076 of the NOTCH3 protein (p.Gly2076Val).